The following is an entry in ClinVar:

NM_004415.4(DSP):c.6151G>T (p.Ala2051Ser)

Gene: DSP (desmoplakin; plus strand). Cytogenetic location: 6p24.3.
Variant type: single nucleotide variant.
Coding change: c.6151G>T on transcript NM_004415.4 (MANE Select); coding-DNA position 6151, G replaced by T.
Protein change: p.Ala2051Ser; replaces alanine 2051 with serine.
Molecular consequence: missense variant.
Genome position (GRCh38, 1-based): chr6:7,583,413, G>T. VCF-style: chr6-7583413-G-T. GRCh37 (hg19) VCF-style: chr6-7583646-G-T.
Other names: c.4354G>T, p.Ala1452Ser (NM_001008844.3); c.4822G>T, p.Ala1608Ser (NM_001319034.2); short protein forms A2051S, A1452S, A1608S.
Identifiers: ClinVar variation 3273887 (VCV003273887.2).

ClinVar aggregate classification (germline): Uncertain significance. Review status: criteria provided, multiple submitters, no conflicts (2 of 4 stars). 2 submissions from 2 submitters: Uncertain significance (2). Last evaluated 2025-11-06.

Conditions:
Arrhythmogenic right ventricular dysplasia 8 (ARVD8). Also called: Arrhythmogenic Right Ventricular Dysplasia/Cardiomyopathy 8; ARRHYTHMOGENIC RIGHT VENTRICULAR DYSPLASIA, FAMILIAL, 8; ARRHYTHMOGENIC RIGHT VENTRICULAR CARDIOMYOPATHY 8. Identifiers: MedGen C1843896, MONDO:0011831, OMIM 607450.
Arrhythmogenic cardiomyopathy with wooly hair and keratoderma. Also called: PALMOPLANTAR KERATODERMA WITH LEFT VENTRICULAR CARDIOMYOPATHY AND WOOLLY HAIR; Carvajal syndrome; Arrhythmogenic cardiomyopathy with woolly hair and keratoderma; Dilated cardiomyopathy with woolly hair and keratoderma. Identifiers: Orphanet 65282, MedGen C1854063, MONDO:0011581, OMIM 605676.
Cardiovascular phenotype. Identifiers: MedGen CN230736.

gnomAD v4.1: 4 of 1,614,156 alleles (0.00025%); highest among the groups gnomAD compares: African/African-American, 0.0013%; no homozygotes.

Submissions (2):

Labcorp Genetics (formerly Invitae), Labcorp
Classification: Uncertain significance for Arrhythmogenic cardiomyopathy with wooly hair and keratoderma; Arrhythmogenic right ventricular dysplasia 8. Last evaluated: 2025-11-06. Review status: criteria provided, single submitter. Criteria: Invitae Variant Classification Sherloc (09022015). Collection method: clinical testing. Allele origin: germline.
Comment: This sequence change replaces alanine, which is neutral and non-polar, with serine, which is neutral and polar, at codon 2051 of the DSP protein (p.Ala2051Ser). This variant is not present in population databases (gnomAD no frequency). This variant has not been reported in the literature in individuals affected with DSP-related conditions. ClinVar contains an entry for this variant (Variation ID: 3273887). An algorithm developed to predict the effect of missense changes on protein structure and function (PolyPhen-2) suggests that this variant is likely to be disruptive. In summary, the available evidence is currently insufficient to determine the role of this variant in disease. Therefore, it has been classified as a Variant of Uncertain Significance.

Ambry Genetics
Classification: Uncertain significance for Cardiovascular phenotype. Last evaluated: 2024-03-27. Review status: criteria provided, single submitter. Criteria: Ambry Variant Classification Scheme 2023. Collection method: clinical testing. Allele origin: germline.
Comment: The p.A2051S variant (also known as c.6151G>T), located in coding exon 24 of the DSP gene, results from a G to T substitution at nucleotide position 6151. The alanine at codon 2051 is replaced by serine, an amino acid with similar properties. This amino acid position is conserved. In addition, the in silico prediction for this alteration is inconclusive. Based on the available evidence, the clinical significance of this alteration remains unclear.